The following is an entry in ClinVar:

ClinVar aggregate classification (germline): Uncertain significance (1 of 4 stars; one submission).

gnomAD v4.1: 2 of 1,614,184 alleles (0.00012%); highest among the groups gnomAD compares: African/African-American, 0.0013%; no homozygotes.

Submission:

Labcorp Genetics (formerly Invitae), Labcorp
Classification: Uncertain significance. Last evaluated: 2026-01-09. Review status: criteria provided, single submitter. Criteria: Invitae Variant Classification Sherloc (09022015). Collection method: clinical testing. Allele origin: germline.
Comment: This sequence change replaces serine, which is neutral and polar, with phenylalanine, which is neutral and non-polar, at codon 1025 of the ERBIN protein (p.Ser1025Phe). This variant is not present in population databases (gnomAD no frequency). This variant has not been reported in the literature in individuals affected with ERBIN-related conditions. An algorithm developed to predict the effect of missense changes on protein structure and function (PolyPhen-2) suggests that this variant is likely to be disruptive. In summary, the available evidence is currently insufficient to determine the role of this variant in disease. Therefore, it has been classified as a Variant of Uncertain Significance.

NM_001253697.2(ERBIN):c.3074C>T (p.Ser1025Phe)

Gene: ERBIN (erbb2 interacting protein; plus strand). Cytogenetic location: 5q12.3.
Variant type: single nucleotide variant.
Coding change: c.3074C>T on transcript NM_001253697.2 (MANE Select); coding-DNA position 3074, C replaced by T.
Protein change: p.Ser1025Phe; replaces serine 1025 with phenylalanine.
Molecular consequence: missense variant.
Genome position (GRCh38, 1-based): chr5:66,054,392, C>T. VCF-style: chr5-66054392-C-T. GRCh37 (hg19) VCF-style: chr5-65350220-C-T.
Other names: c.3074C>T, p.Ser1025Phe (NM_001006600.3, NM_001253698.2, NM_001253699.2 and 1 more transcripts); c.3062C>T, p.Ser1021Phe (NM_001253701.2); short protein forms S1021F, S1025F.
Identifiers: ClinVar variation 4811371 (VCV004811371.1).
Genomic context (GRCh38, chr5:66,054,392, plus strand): 5'-TTCCTCCTCAGCTCCTTCCTAGATCAGAGAGCACAGAAAATCAAAGTTATGCTAAACATT[C>T]TGCCAATATGAATTTCTCTAATCATAACAATGTTCGAGCTAATACTGCATACCATTTACA-3'
Protein context (NP_001240626.1, residues 1015-1035): STENQSYAKH[Ser1025Phe]ANMNFSNHNN